The following is an entry in ClinVar:

ClinVar aggregate classification (germline): Uncertain significance (1 of 4 stars; one submission).

Conditions:
Wilson disease (WND). Also called: Wilson's disease. Identifiers: Orphanet 905, MedGen C0019202, MONDO:0010200, OMIM 277900. Disease mechanism: loss of function.

Allele frequency attached by ClinVar (database versions not stated): gnomAD exomes below 0.00001; ExAC 0.00001; gnomAD 0.00001; 1000 Genomes Project 30x 0.00016; 1000 Genomes Project 0.00020.
gnomAD v4.1: 3 of 1,614,178 alleles (0.00019%); highest among the groups gnomAD compares: South Asian, 0.0033%; no homozygotes.

Submission:

Neuberg Centre For Genomic Medicine, NCGM
Classification: Uncertain significance for Wilson disease. Review status: criteria provided, single submitter. Criteria: ACMG Guidelines, 2015. Collection method: clinical testing. Allele origin: germline. Inheritance: Autosomal dominant inheritance. Affected: yes.
Comment: The missense variant in c.431T>C(p.Val144Ala) in ATP7B gene has not been reported previously as a pathogenic variant nor as a benign variant, to our knowledge. This variant has been reported with allele frequency of 0.0004% in gnomAD database. This variant has not been reported to the ClinVar database. The amino acid change p.Val144Ala in ATP7B is predicted as conserved by GERP++ and PhyloP across 100 vertebrates. The amino acid Val at position 144 is changed to a Ala changing protein sequence and it might alter its composition and physico-chemical properties. For these reasons, this variant has been classified as Uncertain Significance (VUS). In the absence of another reportable variant , the molecular diagnosis is not confirmed.

NM_000053.4(ATP7B):c.431T>C (p.Val144Ala)

Gene: ATP7B (ATPase copper transporting beta; minus strand). Cytogenetic location: 13q14.3.
Variant type: single nucleotide variant.
Coding change: c.431T>C on transcript NM_000053.4 (MANE Select); coding-DNA position 431, T replaced by C.
Protein change: p.Val144Ala; replaces valine 144 with alanine.
Molecular consequence: missense variant.
Genome position (GRCh38, 1-based): chr13:51,974,789, A>G on the plus strand (T>C on the coding strand, the complement: ATP7B is on the minus strand). VCF-style: chr13-51974789-A-G. GRCh37 (hg19) VCF-style: chr13-52548925-A-G.
Other names: c.431T>C, p.Val144Ala (NM_001406512.1, NM_001406513.1, NM_001406514.1 and 30 more transcripts); c.335T>C, p.Val112Ala (NM_001406517.1, NM_001406518.1, NM_001406536.1 and 4 more transcripts); short protein forms V144A, V112A.
Identifiers: ClinVar variation 2585005 (VCV002585005.1), dbSNP rs547221110, ClinGen allele CA6989565.